The following is an entry in ClinVar:

ClinVar aggregate classification (germline): Conflicting classifications of pathogenicity. Review status: criteria provided, conflicting classifications (1 of 4 stars). 5 submissions from 5 submitters: Uncertain significance (1); Likely benign (4). Last evaluated 2025-12-20.

Conditions:
Autosomal recessive limb-girdle muscular dystrophy type 2J (LGMDR10). Also called: Limb-girdle muscular dystrophy, type 2J; MUSCULAR DYSTROPHY, LIMB-GIRDLE, AUTOSOMAL RECESSIVE 10. Identifiers: Orphanet 140922, MedGen C1837342, MONDO:0012127, OMIM 608807.
Dilated cardiomyopathy 1G (CMD1G). Identifiers: Orphanet 154, MedGen C1858763, MONDO:0011400, OMIM 604145.

Allele frequency attached by ClinVar (database versions not stated): gnomAD exomes below 0.00001; gnomAD 0.00001; TOPMed 0.00001.

Submissions (5):

Labcorp Genetics (formerly Invitae), Labcorp
Classification: Likely benign for Dilated cardiomyopathy 1G; Autosomal recessive limb-girdle muscular dystrophy type 2J. Last evaluated: 2025-12-20. Review status: criteria provided, single submitter. Criteria: Invitae Variant Classification Sherloc (09022015). Collection method: clinical testing. Allele origin: germline.

ARUP Laboratories, Molecular Genetics and Genomics, ARUP Laboratories
Classification: Likely benign. Last evaluated: 2025-04-03. Review status: criteria provided, single submitter. Criteria: ARUP Molecular Germline Variant Investigation Process 2024. Collection method: clinical testing. Allele origin: germline.

Blueprint Genetics
Classification: Likely benign. Last evaluated: 2024-10-23. Review status: criteria provided, single submitter. Criteria: ACMG Guidelines, 2015. Collection method: clinical testing. Allele origin: germline.

GeneDx
Classification: Likely benign. Last evaluated: 2019-07-10. Review status: criteria provided, single submitter. Criteria: GeneDx Variant Classification Process June 2021. Collection method: clinical testing. Allele origin: germline. Affected: yes.

Laboratory for Molecular Medicine, Mass General Brigham Personalized Medicine
Classification: Uncertain significance. Last evaluated: 2015-02-16. Review status: criteria provided, single submitter. Criteria: LMM Criteria. Collection method: clinical testing. Allele origin: germline. Observed: 1 variant allele.
Comment: The c.20207-13C>A variant in TTN has not been previously reported in individuals with cardiomyopathy or in large population studies. This variant is located in the 3' splice region. Computational tools do not suggest an impact to splicing. However, this information is not predictive enough to rule out pathogenicity. In summary, the clinical significance of the c.20207-13C>A variant is uncertain.

NM_001267550.2(TTN):c.23939-13C>A

Gene: TTN (titin; minus strand). Cytogenetic location: 2q31.2.
Variant type: single nucleotide variant.
Coding change: c.23939-13C>A on transcript NM_001267550.2 (MANE Select); 13 bases into the intron before coding-DNA position 23939, C replaced by A.
Molecular consequence: intron variant.
Genome position (GRCh38, 1-based): chr2:178,719,464, G>T on the plus strand (C>A on the coding strand, the complement: TTN is on the minus strand). VCF-style: chr2-178719464-G-T. GRCh37 (hg19) VCF-style: chr2-179584191-G-T.
Other names: c.13282+18618C>A (NM_003319.4); c.13858+18618C>A (NM_133437.4); c.13657+18618C>A (NM_133432.3); c.20207-13C>A (NM_133378.4); c.22988-13C>A (NM_001256850.1).
Identifiers: ClinVar variation 229400 (VCV000229400.16), dbSNP rs876658045, ClinGen allele CA10576550.